The following is an entry in ClinVar:

ClinVar aggregate classification (germline): Likely pathogenic. Review status: criteria provided, single submitter (1 of 4 stars). 2 submissions from 2 submitters: Likely pathogenic (1). 1 of the submissions does not count toward it. Last evaluated 2022-06-22.

Conditions:
Phenylketonuria (PKU). Also called: Phenylketonurias; Phenylketonuria (PKU); OLIGOPHRENIA PHENYLPYRUVICA; FOLLING DISEASE. Identifiers: Orphanet 716, MedGen C0031485, MONDO:0009861, OMIM 261600. Disease mechanism: loss of function.

Allele frequency attached by ClinVar (database versions not stated): gnomAD 0.00001; TOPMed 0.00001.
gnomAD v4.1: 1 of 1,613,930 alleles (0.000062%); highest among the groups gnomAD compares: Non-Finnish European, 0.000085%; no homozygotes.

Submissions (2):

Labcorp Genetics (formerly Invitae), Labcorp
Classification: Likely pathogenic for Phenylketonuria. Last evaluated: 2022-06-22. Review status: criteria provided, single submitter. Criteria: Invitae Variant Classification Sherloc (09022015). Collection method: clinical testing. Allele origin: germline.
Comment: In summary, the currently available evidence indicates that the variant is pathogenic, but additional data are needed to prove that conclusively. Therefore, this variant has been classified as Likely Pathogenic. This variant disrupts the p.Met276 amino acid residue in PAH. Other variant(s) that disrupt this residue have been determined to be pathogenic (PMID: 8068076, 16256386, 16290003, 25894915, 29176022, 30459323, 30612563). This suggests that this residue is clinically significant, and that variants that disrupt this residue are likely to be disease-causing. This sequence change replaces methionine, which is neutral and non-polar, with isoleucine, which is neutral and non-polar, at codon 276 of the PAH protein (p.Met276Ile). This variant is present in population databases (no rsID available, gnomAD 0.007%). This missense change has been observed in individual(s) with a positive newborn screening result for PAH-related disease (Invitae). ClinVar contains an entry for this variant (Variation ID: 551519). Advanced modeling of protein sequence and biophysical properties (such as structural, functional, and spatial information, amino acid conservation, physicochemical variation, residue mobility, and thermodynamic stability) performed at Invitae indicates that this missense variant is expected to disrupt PAH protein function.

Counsyl
Classification: Uncertain significance for Phenylketonuria. Last evaluated: 2017-04-14. Review status: no assertion criteria provided. Collection method: clinical testing. Allele origin: unknown. Not counted in ClinVar's aggregate classification.

Literature cited by the submitters: PubMed 8068076 (cited by Labcorp Genetics (formerly Invitae), Labcorp); PubMed 16256386 (cited by Labcorp Genetics (formerly Invitae), Labcorp); PubMed 16290003 (cited by Labcorp Genetics (formerly Invitae), Labcorp); PubMed 25894915 (cited by Labcorp Genetics (formerly Invitae), Labcorp); PubMed 29176022 (cited by Labcorp Genetics (formerly Invitae), Labcorp); PubMed 30459323 (cited by Labcorp Genetics (formerly Invitae), Labcorp); PubMed 30612563 (cited by Labcorp Genetics (formerly Invitae), Labcorp); PubMed 26206375 (cited by Counsyl); PubMed 17924342 (cited by Counsyl); PubMed 2063869 (cited by Counsyl).

NM_000277.3(PAH):c.828G>A (p.Met276Ile)

Gene: PAH (phenylalanine hydroxylase; minus strand). Cytogenetic location: 12q23.2.
Variant type: single nucleotide variant.
Coding change: c.828G>A on transcript NM_000277.3 (MANE Select); coding-DNA position 828, G replaced by A.
Protein change: p.Met276Ile; replaces methionine 276 with isoleucine.
Molecular consequence: missense variant.
Genome position (GRCh38, 1-based): chr12:102,852,829, C>T on the plus strand (G>A on the coding strand, the complement: PAH is on the minus strand). VCF-style: chr12-102852829-C-T. GRCh37 (hg19) VCF-style: chr12-103246607-C-T.
Other names: c.828G>A, p.Met276Ile (NM_001354304.2); short protein forms M276I.
Identifiers: ClinVar variation 551519 (VCV000551519.7), dbSNP rs62514954, ClinGen allele CA386294547.
Genomic context (GRCh38, chr12:102,852,829, plus strand): 5'-GGCGCTCATTGTGCCTGGCAACTGGTAGCTGGAGGACAGTACTCACGGTTCGGGGGTATA[C>T]ATGGGCTTGGATCCATGTCTGATGTACTGTGTGCAGTGGAAGACTCGGAAGGCCAGGCCA-3'
Protein context (NP_000268.1, residues 266-286): TQYIRHGSKP[Met276Ile]YTPEPDICHE